The following is an entry in ClinVar:

NM_001083961.2(WDR62):c.2775_2776insGT (p.Ser926fs)

Gene: WDR62 (WD repeat domain 62; plus strand). Cytogenetic location: 19q13.12.
Variant type: Insertion.
Coding change: c.2775_2776insGT on transcript NM_001083961.2 (MANE Select); coding-DNA positions 2775 to 2776, GT inserted.
Protein change: p.Ser926fs; shifts the reading frame from serine 926.
Molecular consequence: frameshift variant.
Genome position: GRCh38 VCF-style: chr19-36100783-C-CGT. GRCh37 (hg19) VCF-style: chr19-36591685-C-CGT.
Other names: c.2760_2761insGT, p.Ser921fs (NM_001411145.1); c.2775_2776insGT, p.Ser926fs (NM_001411146.1, NM_173636.5); c.2424_2425insGT, p.Ser809fs (NM_001411147.1); short protein forms S809fs, S921fs, S926fs.
Identifiers: ClinVar variation 5018859 (VCV005018859.2).

ClinVar aggregate classification (germline): Likely pathogenic (1 of 4 stars; one submission).

Conditions:
Microcephaly 2, primary, autosomal recessive, with or without cortical malformations. Also called: WDR62 Primary Microcephaly; MICROCEPHALY 2, PRIMARY, AUTOSOMAL RECESSIVE, WITH CORTICAL MALFORMATIONS. Identifiers: Orphanet 2512, MedGen C1858535, MONDO:0011435, OMIM 604317.

Submission:

Juno Genomics, Hangzhou Juno Genomics, Inc
Classification: Likely pathogenic for Microcephaly 2, primary, autosomal recessive, with or without cortical malformations. Review status: criteria provided, single submitter. Criteria: ACMG Guidelines, 2015. Collection method: clinical testing. Allele origin: germline.
Comment: Absent from controls (or at extremely low frequency if recessive) in Genome Aggregation Database.;Null variant in a gene where loss of function (LOF) is a known mechanism of disease.